The following is an entry in ClinVar:

ClinVar aggregate classification (germline): Uncertain significance (1 of 4 stars; one submission).

Conditions:
Hereditary spastic paraplegia 57. Also called: Spastic paraplegia 57, autosomal recessive. Identifiers: Orphanet 431329, MedGen C3714897, MONDO:0014295, OMIM 615658.
Hereditary motor and sensory neuropathy, Okinawa type (HMSNO). Also called: HEREDITARY MOTOR AND SENSORY NEUROPATHY, PROXIMAL TYPE. Identifiers: Orphanet 90117, MedGen C1858338, MONDO:0011468, OMIM 604484.

gnomAD v4.1: 3 of 1,610,156 alleles (0.00019%); highest among the groups gnomAD compares: Non-Finnish European, 0.00025%; no homozygotes.

Submission:

Labcorp Genetics (formerly Invitae), Labcorp
Classification: Uncertain significance for Hereditary motor and sensory neuropathy, Okinawa type; Hereditary spastic paraplegia 57. Last evaluated: 2023-07-10. Review status: criteria provided, single submitter. Criteria: Invitae Variant Classification Sherloc (09022015). Collection method: clinical testing. Allele origin: germline.
Comment: This sequence change creates a premature translational stop signal (p.Tyr33*) in the TFG gene. It is expected to result in an absent or disrupted protein product. However, the current clinical and genetic evidence is not sufficient to establish whether loss-of-function variants in TFG cause disease. This variant is not present in population databases (gnomAD no frequency). This variant has not been reported in the literature in individuals affected with TFG-related conditions. ClinVar contains an entry for this variant (Variation ID: 2053438). In summary, the available evidence is currently insufficient to determine the role of this variant in disease. Therefore, it has been classified as a Variant of Uncertain Significance.

NM_006070.6(TFG):c.99T>A (p.Tyr33Ter)

Gene: TFG (trafficking from ER to golgi regulator; plus strand). Cytogenetic location: 3q12.2.
Variant type: single nucleotide variant.
Coding change: c.99T>A on transcript NM_006070.6 (MANE Select); coding-DNA position 99, T replaced by A.
Protein change: p.Tyr33Ter; replaces tyrosine 33 with a stop codon.
Molecular consequence: nonsense.
Genome position (GRCh38, 1-based): chr3:100,713,784, T>A. VCF-style: chr3-100713784-T-A. GRCh37 (hg19) VCF-style: chr3-100432628-T-A.
Other names: c.99T>A, p.Tyr33Ter (NM_001007565.2, NM_001195478.2, NM_001195479.2); short protein forms Y33*.
Identifiers: ClinVar variation 2053438 (VCV002053438.4), dbSNP rs769041703, ClinGen allele CA353836954.
Genomic context (GRCh38, chr3:100,713,784, plus strand): 5'-CAAAGCTCAACTTGGGGAGGATATTCGGCGAATTCCTATTCATAATGAAGATATTACTTA[T>A]GATGAATTAGTGCTAATGATGCAACGAGTTTTCAGAGGAAAACTTCTGAGTAATGATGAA-3'